The following is an entry in ClinVar:

NM_000059.4(BRCA2):c.9722C>T (p.Ser3241Phe)

Gene: BRCA2 (BRCA2 DNA repair associated; plus strand). Cytogenetic location: 13q13.1.
Variant type: single nucleotide variant.
Coding change: c.9722C>T on transcript NM_000059.4 (MANE Select); coding-DNA position 9722, C replaced by T.
Protein change: p.Ser3241Phe; replaces serine 3241 with phenylalanine.
Molecular consequence: missense variant.
Genome position (GRCh38, 1-based): chr13:32,398,235, C>T. VCF-style: chr13-32398235-C-T. GRCh37 (hg19) VCF-style: chr13-32972372-C-T.
Other names: 9950C>T; short protein forms S3241F.
Identifiers: ClinVar variation 156181 (VCV000156181.14), dbSNP rs398122621, ClinGen allele CA026284.

ClinVar aggregate classification (germline): Uncertain significance. Review status: criteria provided, multiple submitters, no conflicts (2 of 4 stars). 3 submissions from 3 submitters: Uncertain significance (2). 1 of the submissions does not count toward it. Last evaluated 2024-08-04.

Conditions:
Hereditary cancer-predisposing syndrome. Also called: Tumor predisposition; Neoplastic Syndromes, Hereditary; Hereditary neoplastic syndrome; Hereditary Cancer Syndrome. Identifiers: Orphanet 140162, MedGen C0027672, MeSH D009386, MONDO:0015356.
Hereditary breast ovarian cancer syndrome. Also called: Hereditary breast and ovarian cancer; Hereditary breast and ovarian cancer syndrome (HBOC); Hereditary breast and ovarian cancer syndrome; BRCA1- and BRCA2-Associated Hereditary Breast and Ovarian Cancer; Breast and ovarian cancer; Hereditary breast and/or ovarian cancer syndrome. Identifiers: Orphanet 145, MedGen C0677776, MeSH D061325, MONDO:0003582. Disease mechanism: loss of function.
Breast-ovarian cancer, familial, susceptibility to, 2 (BROVCA2). Also called: BRCA2 Hereditary Breast and Ovarian Cancer. Identifiers: Orphanet 145, MedGen C2675520, MONDO:0012933, OMIM 612555. Disease mechanism: loss of function.

gnomAD v4.1: 1 of 1,613,856 alleles (0.000062%); highest among the groups gnomAD compares: Non-Finnish European, 0.000085%; no homozygotes.

Submissions (3):

Labcorp Genetics (formerly Invitae), Labcorp
Classification: Uncertain significance for Hereditary breast ovarian cancer syndrome. Last evaluated: 2024-08-04. Review status: criteria provided, single submitter. Criteria: Invitae Variant Classification Sherloc (09022015). Collection method: clinical testing. Allele origin: germline.
Comment: This sequence change replaces serine, which is neutral and polar, with phenylalanine, which is neutral and non-polar, at codon 3241 of the BRCA2 protein (p.Ser3241Phe). This variant is not present in population databases (gnomAD no frequency). This variant has not been reported in the literature in individuals affected with BRCA2-related conditions. ClinVar contains an entry for this variant (Variation ID: 156181). Advanced modeling of protein sequence and biophysical properties (such as structural, functional, and spatial information, amino acid conservation, physicochemical variation, residue mobility, and thermodynamic stability) performed at Invitae indicates that this missense variant is not expected to disrupt BRCA2 protein function with a negative predictive value of 95%. In summary, the available evidence is currently insufficient to determine the role of this variant in disease. Therefore, it has been classified as a Variant of Uncertain Significance.

Ambry Genetics
Classification: Uncertain significance for Hereditary cancer-predisposing syndrome. Last evaluated: 2019-07-02. Review status: criteria provided, single submitter. Criteria: Ambry Variant Classification Scheme 2023. Collection method: clinical testing. Allele origin: germline.
Comment: The p.S3241F variant (also known as c.9722C>T), located in coding exon 26 of the BRCA2 gene, results from a C to T substitution at nucleotide position 9722. The serine at codon 3241 is replaced by phenylalanine, an amino acid with highly dissimilar properties. This amino acid position is poorly conserved in available vertebrate species. In addition, this alteration is predicted to be tolerated by in silico analysis. Since supporting evidence is limited at this time, the clinical significance of this alteration remains unclear.

Sharing Clinical Reports Project (SCRP)
Classification: Uncertain significance for Breast-ovarian cancer, familial 2. Last evaluated: 2013-07-11. Review status: no assertion criteria provided. Collection method: clinical testing. Allele origin: germline. Not counted in ClinVar's aggregate classification.